The following is an entry in ClinVar:

NM_002381.5(MATN3):c.521T>C (p.Phe174Ser)

Gene: MATN3 (matrilin 3; minus strand). Cytogenetic location: 2p24.1.
Variant type: single nucleotide variant.
Coding change: c.521T>C on transcript NM_002381.5 (MANE Select); coding-DNA position 521, T replaced by C.
Protein change: p.Phe174Ser; replaces phenylalanine 174 with serine.
Molecular consequence: missense variant.
Genome position (GRCh38, 1-based): chr2:20,006,013, A>G on the plus strand (T>C on the coding strand, the complement: MATN3 is on the minus strand). VCF-style: chr2-20006013-A-G. GRCh37 (hg19) VCF-style: chr2-20205774-A-G.
Other names: c.521T>C (NM_002381.4); short protein forms F174S.
Identifiers: ClinVar variation 2817963 (VCV002817963.4), dbSNP rs2527703247, ClinGen allele CA345950920.

ClinVar aggregate classification (germline): Uncertain significance. Review status: criteria provided, multiple submitters, no conflicts (2 of 4 stars). 2 submissions from 2 submitters: Uncertain significance (2). Last evaluated 2024-11-09.

Conditions:
MATN3-related disorder. Also called: MATN3-related condition.

Submissions (2):

PreventionGenetics, part of Exact Sciences
Classification: Uncertain significance for MATN3-related condition. Last evaluated: 2024-11-09. Review status: criteria provided, single submitter. Criteria: ACMG Guidelines, 2015. Collection method: clinical testing. Allele origin: germline.
Comment: The MATN3 c.521T>C variant is predicted to result in the amino acid substitution p.Phe174Ser. To our knowledge, this variant has not been reported in the literature or in a large population database (gnomAD), indicating this variant is rare. At this time, the clinical significance of this variant is uncertain due to the absence of conclusive functional and genetic evidence.

Labcorp Genetics (formerly Invitae), Labcorp
Classification: Uncertain significance. Last evaluated: 2022-12-02. Review status: criteria provided, single submitter. Criteria: Invitae Variant Classification Sherloc (09022015). Collection method: clinical testing. Allele origin: germline.
Comment: This sequence change replaces phenylalanine, which is neutral and non-polar, with serine, which is neutral and polar, at codon 174 of the MATN3 protein (p.Phe174Ser). This variant is not present in population databases (gnomAD no frequency). This variant has not been reported in the literature in individuals affected with MATN3-related conditions. In summary, the available evidence is currently insufficient to determine the role of this variant in disease. Therefore, it has been classified as a Variant of Uncertain Significance. Advanced modeling of protein sequence and biophysical properties (such as structural, functional, and spatial information, amino acid conservation, physicochemical variation, residue mobility, and thermodynamic stability) performed at Invitae indicates that this missense variant is expected to disrupt MATN3 protein function.